The following is an entry in ClinVar:

ClinVar aggregate classification (germline): Uncertain significance. Review status: criteria provided, multiple submitters, no conflicts (2 of 4 stars). 3 submissions from 2 submitters: Uncertain significance (2). 1 of the submissions does not count toward it. Last evaluated 2022-12-17.

Conditions:
Majeed syndrome (MJDS). Also called: CHRONIC RECURRENT MULTIFOCAL OSTEOMYELITIS 1, WITH CONGENITAL DYSERYTHROPOIETIC ANEMIA, WITH OR WITHOUT NEUTROPHILIC DERMATOSIS; LPIN2-Related Majeed Syndrome. Identifiers: Orphanet 77297, MedGen C1864997, MONDO:0012316, OMIM 609628.

Allele frequency attached by ClinVar (database versions not stated): TOPMed 0.00001; gnomAD exomes 0.00002; ExAC 0.00003.
gnomAD v4.1: 7 of 1,613,780 alleles (0.00043%); highest among the groups gnomAD compares: Admixed American, 0.01%; no homozygotes.

Submissions (3):

Dubai Health Genomic Medicine Center, Dubai Health
Classification: Uncertain significance. Last evaluated: 2022-12-17. Review status: criteria provided, single submitter. Criteria: ACMG Guidelines, 2015. Collection method: clinical testing. Allele origin: germline. Affected: yes.

Labcorp Genetics (formerly Invitae), Labcorp
Classification: Uncertain significance for Majeed syndrome. Last evaluated: 2022-02-03. Review status: criteria provided, single submitter. Criteria: Invitae Variant Classification Sherloc (09022015). Collection method: clinical testing. Allele origin: germline.
Comment: This sequence change replaces arginine, which is basic and polar, with glutamine, which is neutral and polar, at codon 280 of the LPIN2 protein (p.Arg280Gln). This variant is present in population databases (rs749727482, gnomAD 0.01%). This variant has not been reported in the literature in individuals affected with LPIN2-related conditions. ClinVar contains an entry for this variant (Variation ID: 1301710). Algorithms developed to predict the effect of missense changes on protein structure and function (SIFT, PolyPhen-2, Align-GVGD) all suggest that this variant is likely to be tolerated. In summary, the available evidence is currently insufficient to determine the role of this variant in disease. Therefore, it has been classified as a Variant of Uncertain Significance.

Dubai Health Genomic Medicine Center, Dubai Health
Classification: Uncertain significance for Majeed syndrome. Last evaluated: 2020-08-13. Review status: flagged submission. Criteria: ACMG Guidelines, 2015. Collection method: clinical testing. Allele origin: germline. Affected: yes. Not counted in ClinVar's aggregate classification.
Comment: The p. Arg280Gln missense variant in LPIN2 has not been previously reported in affected individuals but was identified in 5/34580 (0.014% 0 homozygotes) Latino alleles in the Genome Aggregation Database (gnomAD). Computational prediction tools and conservation analysis do not suggest an impact to protein function though this information is not predictive enough to rule out pathogenicity. In summary more information is needed to determine the clinical significance of this variant.
ClinVar note: Reason: This record appears to be redundant with a more recent record from the same submitter.
ClinVar note: Notes: SCV001984412 appears to be redundant with SCV002774953.

NM_001375808.2(LPIN2):c.839G>A (p.Arg280Gln)

Gene: LPIN2 (lipin 2; minus strand). Cytogenetic location: 18p11.31.
Variant type: single nucleotide variant.
Coding change: c.839G>A on transcript NM_001375808.2 (MANE Select); coding-DNA position 839, G replaced by A.
Protein change: p.Arg280Gln; replaces arginine 280 with glutamine.
Molecular consequence: missense variant.
Genome position (GRCh38, 1-based): chr18:2,938,021, C>T on the plus strand (G>A on the coding strand, the complement: LPIN2 is on the minus strand). VCF-style: chr18-2938021-C-T. GRCh37 (hg19) VCF-style: chr18-2938019-C-T.
Other names: c.839G>A, p.Arg280Gln (NM_001375809.1, NM_014646.2); short protein forms R280Q.
Identifiers: ClinVar variation 1301710 (VCV001301710.8), dbSNP rs749727482, ClinGen allele CA8873267.
Genomic context (GRCh38, chr18:2,938,021, plus strand): 5'-ACCCGAAAATGAGTATTTTCTGATGGTGTAATTGTAGCTGTCCTAGGATGATGGTCAGAT[C>T]GTTCTCTTTTGCTGACCTAAAAAAGTTAAATTGTTTAAAAATTAAACTACTTTCAGAGTA-3'
Protein context (NP_001362737.1, residues 270-290): PESTKVSKRE[Arg280Gln]SDHHPRTATI